The following is an entry in ClinVar:

NM_003924.4(PHOX2B):c.689G>A (p.Gly230Glu)

Gene: PHOX2B (paired like homeobox 2B; minus strand). Cytogenetic location: 4p13.
Variant type: single nucleotide variant.
Coding change: c.689G>A on transcript NM_003924.4 (MANE Select); coding-DNA position 689, G replaced by A.
Protein change: p.Gly230Glu; replaces glycine 230 with glutamic acid.
Molecular consequence: missense variant.
Genome position (GRCh38, 1-based): chr4:41,746,063, C>T on the plus strand (G>A on the coding strand, the complement: PHOX2B is on the minus strand). VCF-style: chr4-41746063-C-T. GRCh37 (hg19) VCF-style: chr4-41748080-C-T.
Other names: short protein forms G230E.
Identifiers: ClinVar variation 826687 (VCV000826687.7), dbSNP rs1577559086, ClinGen allele CA356737385.
Genomic context (GRCh38, chr4:41,746,063, plus strand): 5'-GCTGCCGCGGCCGCCGCCGCTGCTGCTGCGCCGCCCTTGCCGGGTTCGCCTCCCGGGCCC[C>T]CGGGCCCCGCCGCCCCCGGAGCTCCAGCCGGGCTGGGCCCGCCGCCGCCGCCTCCATTCG-3'
Protein context (NP_003915.2, residues 220-240): PAGAPGAAGP[Gly230Glu]GPGGEPGKGG

ClinVar aggregate classification (germline): Uncertain significance. Review status: criteria provided, multiple submitters, no conflicts (2 of 4 stars). 2 submissions from 2 submitters: Uncertain significance (2). Last evaluated 2023-08-28.

Conditions:
Haddad syndrome (OHD). Also called: Ondine-Hirschsprung disease. Identifiers: Orphanet 99803, MedGen C1859049, MONDO:0020493.
Hereditary cancer-predisposing syndrome. Also called: Neoplastic Syndromes, Hereditary; Tumor predisposition; Hereditary neoplastic syndrome; Hereditary Cancer Syndrome. Identifiers: Orphanet 140162, MedGen C0027672, MeSH D009386, MONDO:0015356.

Submissions (2):

Labcorp Genetics (formerly Invitae), Labcorp
Classification: Uncertain significance for Haddad syndrome. Last evaluated: 2023-08-28. Review status: criteria provided, single submitter. Criteria: Invitae Variant Classification Sherloc (09022015). Collection method: clinical testing. Allele origin: germline.
Comment: In summary, the available evidence is currently insufficient to determine the role of this variant in disease. Therefore, it has been classified as a Variant of Uncertain Significance. Advanced modeling of protein sequence and biophysical properties (such as structural, functional, and spatial information, amino acid conservation, physicochemical variation, residue mobility, and thermodynamic stability) performed at Invitae indicates that this missense variant is not expected to disrupt PHOX2B protein function. ClinVar contains an entry for this variant (Variation ID: 826687). This variant is not present in population databases (gnomAD no frequency). This sequence change replaces glycine, which is neutral and non-polar, with glutamic acid, which is acidic and polar, at codon 230 of the PHOX2B protein (p.Gly230Glu). This variant has not been reported in the literature in individuals affected with PHOX2B-related conditions.

Ambry Genetics
Classification: Uncertain significance for Hereditary cancer-predisposing syndrome. Last evaluated: 2019-07-25. Review status: criteria provided, single submitter. Criteria: Ambry Variant Classification Scheme 2023. Collection method: clinical testing. Allele origin: germline.
Comment: The p.G230E variant (also known as c.689G>A), located in coding exon 3 of the PHOX2B gene, results from a G to A substitution at nucleotide position 689. The glycine at codon 230 is replaced by glutamic acid, an amino acid with similar properties. This amino acid position is well conserved in available vertebrate species. In addition, the in silico prediction for this alteration is inconclusive. Since supporting evidence is limited at this time, the clinical significance of this alteration remains unclear.